The following is an entry in ClinVar:

NM_004370.6(COL12A1):c.834T>G (p.Ala278=)

Gene: COL12A1 (collagen type XII alpha 1 chain; minus strand). Cytogenetic location: 6q13.
Variant type: single nucleotide variant.
Coding change: c.834T>G on transcript NM_004370.6 (MANE Select); coding-DNA position 834, T replaced by G.
Protein change: p.Ala278=; no amino-acid change (alanine 278 retained).
Molecular consequence: synonymous variant. On other transcripts: intron variant (1).
Genome position (GRCh38, 1-based): chr6:75,188,525, A>C on the plus strand (T>G on the coding strand, the complement: COL12A1 is on the minus strand). VCF-style: chr6-75188525-A-C. GRCh37 (hg19) VCF-style: chr6-75898241-A-C.
Other names: p.Ala278=; c.73+14195T>G (NM_080645.3).
Identifiers: ClinVar variation 259352 (VCV000259352.18), dbSNP rs16886258, ClinGen allele CA3894321.

ClinVar aggregate classification (germline): Benign/Likely benign. Review status: criteria provided, multiple submitters, no conflicts (2 of 4 stars). 5 submissions from 5 submitters: Benign (4); Likely benign (1). Last evaluated 2026-02-02.

Conditions:
Ullrich congenital muscular dystrophy 2 (UCMD2). Identifiers: Orphanet 75840, MedGen C4225314, MONDO:0014654, OMIM 616470.
Bethlem myopathy 2 (BTHLM2). Identifiers: Orphanet 536516, Orphanet 610, MedGen C4225313, MONDO:0034022, OMIM 616471.

Allele frequency attached by ClinVar (database versions not stated): gnomAD exomes 0.00355 and 0.00132; ExAC 0.00429; 1000 Genomes Project 0.01198; gnomAD 0.01353 and 0.01455; 1000 Genomes Project 30x 0.01265; ESP Exome Variant Server 0.01500; TOPMed 0.01555.

Submissions (5):

Labcorp Genetics (formerly Invitae), Labcorp
Classification: Benign for Bethlem myopathy 2; Ullrich congenital muscular dystrophy 2. Last evaluated: 2026-02-02. Review status: criteria provided, single submitter. Criteria: Invitae Variant Classification Sherloc (09022015). Collection method: clinical testing. Allele origin: germline.

Women's Health and Genetics/Laboratory Corporation of America, LabCorp
Classification: Likely benign. Last evaluated: 2026-01-22. Review status: criteria provided, single submitter. Criteria: LabCorp Variant Classification Summary - May 2015. Collection method: clinical testing. Allele origin: germline.

Mayo Clinic Laboratories, Mayo Clinic
Classification: Benign. Last evaluated: 2023-06-08. Review status: criteria provided, single submitter. Criteria: ACMG Guidelines, 2015. Collection method: clinical testing. Allele origin: germline. Observed: 22 variant alleles.
Comment: BA1, BP4, BP7

GeneDx
Classification: Benign. Last evaluated: 2019-08-15. Review status: criteria provided, single submitter. Criteria: GeneDx Variant Classification Process June 2021. Collection method: clinical testing. Allele origin: germline. Affected: yes.

PreventionGenetics, part of Exact Sciences
Classification: Benign. Review status: criteria provided, single submitter. Criteria: ACMG Guidelines, 2015. Collection method: clinical testing. Allele origin: germline.